The following is an entry in ClinVar:

NM_001498.4(GCLC):c.965A>G (p.Tyr322Cys)

Gene: GCLC (glutamate-cysteine ligase catalytic subunit; minus strand). Cytogenetic location: 6p12.1.
Variant type: single nucleotide variant.
Coding change: c.965A>G on transcript NM_001498.4 (MANE Select); coding-DNA position 965, A replaced by G.
Protein change: p.Tyr322Cys; replaces tyrosine 322 with cysteine.
Molecular consequence: missense variant.
Genome position (GRCh38, 1-based): chr6:53,507,599, T>C on the plus strand (A>G on the coding strand, the complement: GCLC is on the minus strand). VCF-style: chr6-53507599-T-C. GRCh37 (hg19) VCF-style: chr6-53372397-T-C.
Other names: c.851A>G, p.Tyr284Cys (NM_001197115.2); short protein forms Y284C, Y322C.
Identifiers: ClinVar variation 1975308 (VCV001975308.5), dbSNP rs767928952, ClinGen allele CA3860201.
Genomic context (GRCh38, chr6:53,507,599, plus strand): 5'-TTCTCACCACACTTAGATAAATAGCTGTCTATTGAGTCATATCGGGATTTACTGATCCTA[T>C]AGTTATTGTTCTTCAATGGCTAAAGATTAAAAATATATATAAATGAATATGCTATATAAA-3'
Protein context (NP_001489.1, residues 312-332): RGLEPLKNNN[Tyr322Cys]RISKSRYDSI

ClinVar aggregate classification (germline): Uncertain significance (1 of 4 stars; one submission).

Allele frequency attached by ClinVar (database versions not stated): TOPMed below 0.00001; ExAC 0.00007; gnomAD 0.00001; gnomAD exomes 0.00002.
gnomAD v4.1: 34 of 1,531,846 alleles (0.0022%); highest among the groups gnomAD compares: South Asian, 0.033%; 4 homozygotes.

Submission:

Labcorp Genetics (formerly Invitae), Labcorp
Classification: Uncertain significance. Last evaluated: 2026-02-02. Review status: criteria provided, single submitter. Criteria: Invitae Variant Classification Sherloc (09022015). Collection method: clinical testing. Allele origin: germline.
Comment: This sequence change replaces tyrosine, which is neutral and polar, with cysteine, which is neutral and slightly polar, at codon 322 of the GCLC protein (p.Tyr322Cys). This variant is present in population databases (rs767928952, gnomAD 0.02%). This variant has not been reported in the literature in individuals affected with GCLC-related conditions. ClinVar contains an entry for this variant (Variation ID: 1975308). An algorithm developed to predict the effect of missense changes on protein structure and function (PolyPhen-2) suggests that this variant is likely to be disruptive. In summary, the available evidence is currently insufficient to determine the role of this variant in disease. Therefore, it has been classified as a Variant of Uncertain Significance.